The following is an entry in ClinVar:

ClinVar aggregate classification (germline): Pathogenic (1 of 4 stars; one submission).

Conditions:
Camptodactyly-arthropathy-coxa vara-pericarditis syndrome. Also called: FIBROSING SEROSITIS, FAMILIAL; Arthropathy camptodactyly syndrome; Pericarditis arthropathy camptodactyly syndrome; Congenital familial hypertrophic synovitis; JACOBS SYNDROME; PAC SYNDROME. Identifiers: Orphanet 2848, MedGen C1859690, MONDO:0008828, OMIM 208250.

Submission:

3billion
Classification: Pathogenic for Camptodactyly-arthropathy-coxa vara-pericarditis syndrome. Last evaluated: 2025-09-25. Review status: criteria provided, single submitter. Criteria: ACMG Guidelines, 2015. Collection method: clinical testing. Allele origin: germline. Affected: yes.
Comment: The variant is not observed in the gnomAD v4.1.0 dataset. Predicted Consequence/Location: Frameshift: predicted to result in a loss or disruption of normal protein function through nonsense-mediated decay (NMD) or protein truncation. Multiple pathogenic variants are reported downstream of the variant. Therefore, this variant is classified as Pathogenic according to the recommendation of ACMG/AMP guideline.

NM_005807.6(PRG4):c.3008_3009insTC (p.Glu1003fs)

Gene: PRG4 (proteoglycan 4; plus strand). Cytogenetic location: 1q31.1.
Variant type: Insertion.
Coding change: c.3008_3009insTC on transcript NM_005807.6 (MANE Select); coding-DNA positions 3008 to 3009, TC inserted.
Protein change: p.Glu1003fs; shifts the reading frame from glutamic acid 1003.
Molecular consequence: frameshift variant.
Genome position: GRCh38 VCF-style: chr1-186308727-A-ATC. GRCh37 (hg19) VCF-style: chr1-186277859-A-ATC.
Other names: c.2885_2886insTC, p.Glu962fs (NM_001127708.3); c.2729_2730insTC, p.Glu910fs (NM_001127709.3); c.2606_2607insTC, p.Glu869fs (NM_001127710.3); c.2879_2880insTC, p.Glu960fs (NM_001303232.2); short protein forms E1003fs, E869fs, E910fs, E960fs, E962fs.
Identifiers: ClinVar variation 4854518 (VCV004854518.1).
Genomic context (GRCh38, chr1:186,308,727, plus strand): 5'-CCAAAGTAACTACAACAAAAAAGACAATTACTACCACTGAGATTATGAACAAACCTGAAG[A>ATC]AACAGCTAAACCAAAAGACAGAGCTACTAATTCTAAAGCGACAACTCCTAAACCTCAAAA-3'